The following is an entry in ClinVar:

ClinVar aggregate classification (germline): Pathogenic (1 of 4 stars; one submission).

Submission:

Labcorp Genetics (formerly Invitae), Labcorp
Classification: Pathogenic. Last evaluated: 2025-04-10. Review status: criteria provided, single submitter. Criteria: Invitae Variant Classification Sherloc (09022015). Collection method: clinical testing. Allele origin: germline.
Comment: This sequence change creates a premature translational stop signal (p.Tyr415*) in the ABCA12 gene. It is expected to result in an absent or disrupted protein product. Loss-of-function variants in ABCA12 are known to be pathogenic (PMID: 20672373). This variant is not present in population databases (gnomAD no frequency). This variant has not been reported in the literature in individuals affected with ABCA12-related conditions. For these reasons, this variant has been classified as Pathogenic.

Literature cited by the submitters: PubMed 20672373.

NM_173076.3(ABCA12):c.1245T>A (p.Tyr415Ter)

Gene: ABCA12 (ATP binding cassette subfamily A member 12; minus strand). Cytogenetic location: 2q35.
Variant type: single nucleotide variant.
Coding change: c.1245T>A on transcript NM_173076.3 (MANE Select); coding-DNA position 1245, T replaced by A.
Protein change: p.Tyr415Ter; replaces tyrosine 415 with a stop codon.
Molecular consequence: nonsense. On other transcripts: non-coding transcript variant (1).
Genome position (GRCh38, 1-based): chr2:215,025,715, A>T on the plus strand (T>A on the coding strand, the complement: ABCA12 is on the minus strand). VCF-style: chr2-215025715-A-T. GRCh37 (hg19) VCF-style: chr2-215890439-A-T.
Other names: c.291T>A, p.Tyr97Ter (NM_015657.4); short protein forms Y415*, Y97*.
Identifiers: ClinVar variation 4717109 (VCV004717109.1).